The following is an entry in ClinVar:

ClinVar aggregate classification (germline): Likely benign. Review status: criteria provided, multiple submitters, no conflicts (2 of 4 stars). 2 submissions from 2 submitters: Likely benign (2). Last evaluated 2026-03-01.

Conditions:
Parkinson disease 17 (PARK17). Also called: VPS35-Related Parkinson Disease. Identifiers: Orphanet 411602, MedGen C3280133, MONDO:0013625, OMIM 614203.

Allele frequency attached by ClinVar (database versions not stated): gnomAD 0.00014 and 0.00016; TOPMed 0.00018; ESP Exome Variant Server 0.00023; ExAC 0.00012; gnomAD exomes 0.00012 and 0.00013.
gnomAD v4.1: 208 of 1,614,064 alleles (0.013%); highest among the groups gnomAD compares: Non-Finnish European, 0.017%; 1 homozygote.

Submissions (2):

CeGaT Center for Human Genetics Tuebingen
Classification: Likely benign. Last evaluated: 2026-03-01. Review status: criteria provided, single submitter. Criteria: CeGaT Center For Human Genetics Tuebingen Variant Classification Criteria Version 2. Collection method: clinical testing. Allele origin: germline. Affected: yes. Observed: 4 variant alleles.
Comment: VPS35: BP4, BP7

Labcorp Genetics (formerly Invitae), Labcorp
Classification: Likely benign for Parkinson disease 17. Last evaluated: 2025-10-26. Review status: criteria provided, single submitter. Criteria: Invitae Variant Classification Sherloc (09022015). Collection method: clinical testing. Allele origin: germline.

NM_018206.6(VPS35):c.1881C>T (p.Ala627=)

Gene: VPS35 (VPS35 retromer complex component; minus strand). Cytogenetic location: 16q11.2.
Variant type: single nucleotide variant.
Coding change: c.1881C>T on transcript NM_018206.6 (MANE Select); coding-DNA position 1881, C replaced by T.
Protein change: p.Ala627=; no amino-acid change (alanine 627 retained).
Molecular consequence: synonymous variant.
Genome position (GRCh38, 1-based): chr16:46,662,429, G>A on the plus strand (C>T on the coding strand, the complement: VPS35 is on the minus strand). VCF-style: chr16-46662429-G-A. GRCh37 (hg19) VCF-style: chr16-46696341-G-A.
Identifiers: ClinVar variation 472500 (VCV000472500.32), dbSNP rs138794859, ClinGen allele CA8036692.
Genomic context (GRCh38, chr16:46,662,429, plus strand): 5'-TTCGTGATTCTCTTCACTGAAGCACTTCATCCTTTCAAAAGTGCCAATGATCAAGGTGAT[G>A]GCAGCTAGCTGTGCTTTGGAATCGCTGATTTCATCTTCATACAGAGAAAATGCCTAGTGA-3'
Protein context (NP_060676.2, residues 617-637): EISDSKAQLA[Ala627=]ITLIIGTFER